The following is an entry in ClinVar:

NM_001940.4(ATN1):c.3304C>T (p.Pro1102Ser)

Gene: ATN1 (atrophin 1; plus strand). Cytogenetic location: 12p13.31.
Variant type: single nucleotide variant.
Coding change: c.3304C>T on transcript NM_001940.4 (MANE Select); coding-DNA position 3304, C replaced by T.
Protein change: p.Pro1102Ser; replaces proline 1102 with serine.
Molecular consequence: missense variant.
Genome position (GRCh38, 1-based): chr12:6,940,969, C>T. VCF-style: chr12-6940969-C-T. GRCh37 (hg19) VCF-style: chr12-7050132-C-T.
Other names: c.3304C>T, p.Pro1102Ser (NM_001007026.2, NM_001424176.1, NM_001424177.1 and 1 more transcripts); c.3301C>T, p.Pro1101Ser (NM_001424179.1, NM_001424180.1); short protein forms P1102S, P1101S.
Identifiers: ClinVar variation 4997275 (VCV004997275.1).
Genomic context (GRCh38, chr12:6,940,969, plus strand): 5'-CCCCTGGCCTCAGGGTCTCACCTTACCCGGATCCCCTACCCAGCTGGAACTCTCCCTAAC[C>T]CCCTGCTTCCTCACCCTCTGCACGAGAACGAAGTTCTTCGTCACCAGCTCTTTGGTAAGG-3'
Protein context (NP_001931.2, residues 1092-1112): IPYPAGTLPN[Pro1102Ser]LLPHPLHENE

ClinVar aggregate classification (germline): Uncertain significance (1 of 4 stars; one submission).

Conditions:
ATN1-related disorder. Also called: ATN1-related condition; ATN1-related disorders.

Submission:

PreventionGenetics, part of Exact Sciences
Classification: Uncertain significance for ATN1-related condition. Last evaluated: 2025-06-04. Review status: criteria provided, single submitter. Criteria: ACMG Guidelines, 2015. Collection method: clinical testing. Allele origin: germline.
Comment: The ATN1 c.3304C>T variant is predicted to result in the amino acid substitution p.Pro1102Ser. To our knowledge, this variant has not been reported in the literature. This variant is absent in a large population database (gnomAD), indicating this variant is rare. At this time, the clinical significance of this variant is uncertain due to the absence of conclusive functional and genetic evidence.